The following is an entry in ClinVar:

ClinVar aggregate classification (germline): Pathogenic (1 of 4 stars; one submission).

Conditions:
Telangiectasia, hereditary hemorrhagic, type 2 (HHT2). Also called: ACVRL1-Related Hereditary Hemorrhagic Telangiectasia; Telangiectasia, hereditary hemorrhagic, type II. Identifiers: Orphanet 774, MedGen C1838163, MONDO:0010880, OMIM 600376. Disease mechanism: loss of function.

Submission:

Labcorp Genetics (formerly Invitae), Labcorp
Classification: Pathogenic for Telangiectasia, hereditary hemorrhagic, type 2. Last evaluated: 2021-12-06. Review status: criteria provided, single submitter. Criteria: Invitae Variant Classification Sherloc (09022015). Collection method: clinical testing. Allele origin: germline.
Comment: This missense change has been observed in individual(s) with clinical features of hereditary hemorrhagic telangiectasia (Invitae). In at least one individual the variant was observed to be de novo. This variant is not present in population databases (gnomAD no frequency). This sequence change replaces aspartic acid, which is acidic and polar, with asparagine, which is neutral and polar, at codon 263 of the ACVRL1 protein (p.Asp263Asn). For these reasons, this variant has been classified as Pathogenic. Advanced modeling of protein sequence and biophysical properties (such as structural, functional, and spatial information, amino acid conservation, physicochemical variation, residue mobility, and thermodynamic stability) performed at Invitae indicates that this missense variant is expected to disrupt ACVRL1 protein function.

NM_000020.3(ACVRL1):c.787G>A (p.Asp263Asn)

Gene: ACVRL1 (activin A receptor like type 1; plus strand). Cytogenetic location: 12q13.13.
Variant type: single nucleotide variant.
Coding change: c.787G>A on transcript NM_000020.3 (MANE Select); coding-DNA position 787, G replaced by A.
Protein change: p.Asp263Asn; replaces aspartic acid 263 with asparagine.
Molecular consequence: missense variant.
Genome position (GRCh38, 1-based): chr12:51,915,239, G>A. VCF-style: chr12-51915239-G-A. GRCh37 (hg19) VCF-style: chr12-52309023-G-A.
Other names: c.787G>A, p.Asp263Asn (NM_001077401.2); short protein forms D263N.
Identifiers: ClinVar variation 1412933 (VCV001412933.6), dbSNP rs2139072643, ClinGen allele CA384900322.